The following is an entry in ClinVar:

ClinVar aggregate classification (germline): Likely benign. Review status: criteria provided, multiple submitters, no conflicts (2 of 4 stars). 3 submissions from 3 submitters: Likely benign (2). 1 of the submissions does not count toward it. Last evaluated 2023-09-23.

Conditions:
Maple syrup urine disease (MSUD). Identifiers: Orphanet 511, MedGen C0024776, MeSH D008375, MONDO:0009563. Disease mechanism: loss of function.
Maple syrup urine disease type 1A (MSUD1A). Also called: MSUD type 1A. Identifiers: MedGen C1855369, MONDO:0023691, OMIM 248600.

Allele frequency attached by ClinVar (database versions not stated): gnomAD exomes below 0.00001 and 0.00001; TOPMed below 0.00001; ExAC 0.00001; gnomAD 0.00001.
gnomAD v4.1: 6 of 1,609,476 alleles (0.00037%); highest among the groups gnomAD compares: South Asian, 0.0011%; no homozygotes.

Submissions (3):

Labcorp Genetics (formerly Invitae), Labcorp
Classification: Likely benign for Maple syrup urine disease. Last evaluated: 2023-09-23. Review status: criteria provided, single submitter. Criteria: Invitae Variant Classification Sherloc (09022015). Collection method: clinical testing. Allele origin: germline.

GeneDx
Classification: Likely benign. Last evaluated: 2018-04-10. Review status: criteria provided, single submitter. Criteria: GeneDx Variant Classification (06012015). Collection method: clinical testing. Allele origin: germline. Affected: yes.
Comment: This variant is considered likely benign or benign based on one or more of the following criteria: it is a conservative change, it occurs at a poorly conserved position in the protein, it is predicted to be benign by multiple in silico algorithms, and/or has population frequency not consistent with disease.

Natera, Inc.
Classification: Likely benign for Maple syrup urine disease type 1A. Last evaluated: 2021-06-26. Review status: no assertion criteria provided. Collection method: clinical testing. Allele origin: germline. Not counted in ClinVar's aggregate classification.

NM_000709.4(BCKDHA):c.1317A>G (p.Pro439=)

Gene: BCKDHA (branched chain keto acid dehydrogenase E1 subunit alpha; plus strand). Cytogenetic location: 19q13.2.
Variant type: single nucleotide variant.
Coding change: c.1317A>G on transcript NM_000709.4 (MANE Select); coding-DNA position 1317, A replaced by G.
Protein change: p.Pro439=; no amino-acid change (proline 439 retained).
Molecular consequence: synonymous variant.
Genome position (GRCh38, 1-based): chr19:41,424,587, A>G. VCF-style: chr19-41424587-A-G. GRCh37 (hg19) VCF-style: chr19-41930492-A-G.
Other names: c.1314A>G, p.Pro438= (NM_001164783.2).
Identifiers: ClinVar variation 681460 (VCV000681460.9), dbSNP rs749795206, ClinGen allele CA9461429.